The following is an entry in ClinVar:

ClinVar aggregate classification (germline): Uncertain significance (1 of 4 stars; one submission).

Conditions:
Duchenne muscular dystrophy (DMD). Also called: MUSCULAR DYSTROPHY, PSEUDOHYPERTROPHIC PROGRESSIVE, DUCHENNE TYPE; Duchenne Muscular Dystrophy (DMD). Identifiers: Orphanet 98896, MedGen C0013264, MONDO:0010679, OMIM 310200.

Submission:

Labcorp Genetics (formerly Invitae), Labcorp
Classification: Uncertain significance for Duchenne muscular dystrophy. Last evaluated: 2024-12-18. Review status: criteria provided, single submitter. Criteria: Invitae Variant Classification Sherloc (09022015). Collection method: clinical testing. Allele origin: germline.
Comment: This sequence change replaces serine, which is neutral and polar, with tyrosine, which is neutral and polar, at codon 2804 of the DMD protein (p.Ser2804Tyr). This variant is not present in population databases (gnomAD no frequency). This variant has not been reported in the literature in individuals affected with DMD-related conditions. ClinVar contains an entry for this variant (Variation ID: 1395165). Invitae Evidence Modeling of protein sequence and biophysical properties (such as structural, functional, and spatial information, amino acid conservation, physicochemical variation, residue mobility, and thermodynamic stability) indicates that this missense variant is not expected to disrupt DMD protein function with a negative predictive value of 95%. In summary, the available evidence is currently insufficient to determine the role of this variant in disease. Therefore, it has been classified as a Variant of Uncertain Significance.

NM_004006.3(DMD):c.8411C>A (p.Ser2804Tyr)

Gene: DMD (dystrophin; minus strand). Cytogenetic location: Xp21.2.
Variant type: single nucleotide variant.
Coding change: c.8411C>A on transcript NM_004006.3 (MANE Select); coding-DNA position 8411, C replaced by A.
Protein change: p.Ser2804Tyr; replaces serine 2804 with tyrosine.
Molecular consequence: missense variant.
Genome position (GRCh38, 1-based): chrX:31,496,924, G>T on the plus strand (C>A on the coding strand, the complement: DMD is on the minus strand). VCF-style: chrX-31496924-G-T. GRCh37 (hg19) VCF-style: chrX-31515041-G-T.
Other names: c.8387C>A, p.Ser2796Tyr (NM_000109.4); c.8399C>A, p.Ser2800Tyr (NM_004009.3); c.8042C>A, p.Ser2681Tyr (NM_004010.3); c.4388C>A, p.Ser1463Tyr (NM_004011.4); c.4379C>A, p.Ser1460Tyr (NM_004012.4); c.1031C>A, p.Ser344Tyr (NM_004013.3, NM_004020.4, NM_004021.3 and 2 more transcripts); c.224C>A, p.Ser75Tyr (NM_004014.3); short protein forms S2681Y, S2800Y, S2796Y, S344Y, S2804Y, S1460Y, S1463Y, S75Y.
Identifiers: ClinVar variation 1395165 (VCV001395165.6), dbSNP rs2147076528, ClinGen allele CA412655648.